The following is an entry in ClinVar:

NM_002354.3(EPCAM):c.904A>G (p.Ile302Val)

Gene: EPCAM (epithelial cell adhesion molecule; plus strand). Cytogenetic location: 2p21.
Variant type: single nucleotide variant.
Coding change: c.904A>G on transcript NM_002354.3 (MANE Select); coding-DNA position 904, A replaced by G.
Protein change: p.Ile302Val; replaces isoleucine 302 with valine.
Molecular consequence: missense variant.
Genome position (GRCh38, 1-based): chr2:47,386,572, A>G. VCF-style: chr2-47386572-A-G. GRCh37 (hg19) VCF-style: chr2-47613711-A-G.
Other names: short protein forms I302V.
Identifiers: ClinVar variation 2566635 (VCV002566635.2), dbSNP rs1373578863, ClinGen allele CA346725917.

ClinVar aggregate classification (germline): Uncertain significance (1 of 4 stars; one submission).

Conditions:
Hereditary cancer-predisposing syndrome. Also called: Hereditary neoplastic syndrome; Hereditary Cancer Syndrome; Neoplastic Syndromes, Hereditary; Tumor predisposition. Identifiers: Orphanet 140162, MedGen C0027672, MeSH D009386, MONDO:0015356.

gnomAD v4.1: 1 of 1,603,362 alleles (0.000062%); highest among the groups gnomAD compares: Non-Finnish European, 0.000085%; no homozygotes.

Submission:

Ambry Genetics
Classification: Uncertain significance for Hereditary cancer-predisposing syndrome. Last evaluated: 2023-05-15. Review status: criteria provided, single submitter. Criteria: Ambry Variant Classification Scheme 2023. Collection method: clinical testing. Allele origin: germline.
Comment: The p.I302V variant (also known as c.904A>G) is located in coding exon 9 of the EPCAM gene. The isoleucine at codon 302 is replaced by valine, an amino acid with highly similar properties. This change occurs in the first base pair of coding exon 9. This amino acid position is conserved. In addition, this alteration is predicted to be tolerated by in silico analysis. Since supporting evidence is limited at this time, the clinical significance of this alteration remains unclear.